The following is an entry in ClinVar:

ClinVar aggregate classification (germline): Uncertain significance (1 of 4 stars; one submission).

Submission:

Labcorp Genetics (formerly Invitae), Labcorp
Classification: Uncertain significance. Last evaluated: 2024-12-20. Review status: criteria provided, single submitter. Criteria: Invitae Variant Classification Sherloc (09022015). Collection method: clinical testing. Allele origin: germline.
Comment: This sequence change replaces isoleucine, which is neutral and non-polar, with valine, which is neutral and non-polar, at codon 1394 of the LRP5 protein (p.Ile1394Val). This variant is not present in population databases (gnomAD no frequency). This variant has not been reported in the literature in individuals affected with LRP5-related conditions. Invitae Evidence Modeling of protein sequence and biophysical properties (such as structural, functional, and spatial information, amino acid conservation, physicochemical variation, residue mobility, and thermodynamic stability) indicates that this missense variant is not expected to disrupt LRP5 protein function with a negative predictive value of 95%. In summary, the available evidence is currently insufficient to determine the role of this variant in disease. Therefore, it has been classified as a Variant of Uncertain Significance.

NM_002335.4(LRP5):c.4180A>G (p.Ile1394Val)

Gene: LRP5 (LDL receptor related protein 5; plus strand). Cytogenetic location: 11q13.2.
Variant type: single nucleotide variant.
Coding change: c.4180A>G on transcript NM_002335.4 (MANE Select); coding-DNA position 4180, A replaced by G.
Protein change: p.Ile1394Val; replaces isoleucine 1394 with valine.
Molecular consequence: missense variant.
Genome position (GRCh38, 1-based): chr11:68,438,514, A>G. VCF-style: chr11-68438514-A-G. GRCh37 (hg19) VCF-style: chr11-68205982-A-G.
Other names: c.2437A>G, p.Ile813Val (NM_001291902.2); short protein forms I1394V, I813V.
Identifiers: ClinVar variation 3634242 (VCV003634242.2).